The following is an entry in ClinVar:

ClinVar aggregate classification (germline): Uncertain significance. Review status: criteria provided, multiple submitters, no conflicts (2 of 4 stars). 4 submissions from 4 submitters: Uncertain significance (4). Last evaluated 2024-12-05.

Conditions:
Breast-ovarian cancer, familial, susceptibility to, 4. Identifiers: Orphanet 145, MedGen C3280345, MONDO:0013669, OMIM 614291.
Hereditary cancer-predisposing syndrome. Also called: Neoplastic Syndromes, Hereditary; Tumor predisposition; Hereditary Cancer Syndrome; Hereditary neoplastic syndrome. Identifiers: Orphanet 140162, MedGen C0027672, MeSH D009386, MONDO:0015356.

Submissions (4):

Ambry Genetics
Classification: Uncertain significance for Hereditary cancer-predisposing syndrome. Last evaluated: 2024-12-05. Review status: criteria provided, single submitter. Criteria: Ambry Variant Classification Scheme 2023. Collection method: clinical testing. Allele origin: germline.
Comment: The c.473_480+1delAGGAACAGG alteration is a deletion beginning in coding exon 5 of the RAD51D gene and extending 1 nucleotide into intron 5. This results in the deletion of a total of 9 nucleotides, including the last 8 nucleotides of coding exon 5 and the first nucleotide of the splice donor site of intron 5. This nucleotide region is well conserved in available vertebrate species. In silico analysis predicts that this alteration will abolish the native splice donor site while creating a novel splice donor site. Usage of this novel donor site would result in an in-frame transcript with uncertain functional impact. RNA studies have also demonstrated that this alteration results in a transcript predicted to lead to a protein with an in-frame deletion of only 3 amino acids (Ambry internal data). The exact functional impact of the deleted amino acids are unknown at this time. Since supporting evidence is limited at this time, the clinical significance of this alteration remains unclear.

Labcorp Genetics (formerly Invitae), Labcorp
Classification: Uncertain significance for Breast-ovarian cancer, familial, susceptibility to, 4. Last evaluated: 2024-02-24. Review status: criteria provided, single submitter. Criteria: Invitae Variant Classification Sherloc (09022015). Collection method: clinical testing. Allele origin: germline.
Comment: This variant, c.472_480del, results in the deletion of 3 amino acid(s) of the RAD51D protein (p.Glu158_Gln160del), but otherwise preserves the integrity of the reading frame. This variant is not present in population databases (gnomAD no frequency). This variant has not been reported in the literature in individuals affected with RAD51D-related conditions. This variant is also known as c.473_480+1del. ClinVar contains an entry for this variant (Variation ID: 186269). Experimental studies and prediction algorithms are not available or were not evaluated, and the functional significance of this variant is currently unknown. In summary, the available evidence is currently insufficient to determine the role of this variant in disease. Therefore, it has been classified as a Variant of Uncertain Significance.

GeneDx
Classification: Uncertain significance. Last evaluated: 2023-11-29. Review status: criteria provided, single submitter. Criteria: GeneDx Variant Classification Process June 2021. Collection method: clinical testing. Allele origin: germline. Affected: yes.
Comment: Canonical splice site variant with an unclear effect on protein function; Not observed at significant frequency in large population cohorts (gnomAD); Observed in an individual with breast cancer (PMID: 32427313); This variant is associated with the following publications: (PMID: 14704354, 21111057, 19327148, 32427313)

Baylor Genetics
Classification: Uncertain significance for Breast-ovarian cancer, familial, susceptibility to, 4. Last evaluated: 2023-11-02. Review status: criteria provided, single submitter. Criteria: ACMG Guidelines, 2015. Collection method: clinical testing. Allele origin: unknown.

NM_002878.4(RAD51D):c.473_480+1del

Genes: RAD51D (RAD51 paralog D; minus strand), RAD51L3-RFFL (RAD51L3-RFFL readthrough; minus strand). Cytogenetic location: 17q12.
Variant type: Deletion.
Coding change: c.473_480+1del on transcript NM_002878.4 (MANE Select); coding-DNA position 473 through the canonical splice donor site of the intron after coding-DNA position 480, 9 bases deleted (AGGAACAGG; older notation c.473_480+1delAGGAACAGG).
Molecular consequence: splice donor variant. On other transcripts: intron variant (1).
Genome position (GRCh38, 1-based): chr17:35,106,987-35,106,995, CCTGTTCCT deleted on the plus strand (AGGAACAGG on the coding strand, the reverse complement: RAD51D is on the minus strand); deleting any 9 consecutive bases within chr17:35,106,987-35,106,998 gives the same sequence; the c. name uses the placement nearest the transcript's 3' end. VCF-style (leftmost placement, unchanged base first): chr17-35106986-ACCTGTTCCT-A. GRCh37 (hg19) VCF-style: chr17-33434005-ACCTGTTCCT-A.
Other names: c.473_480+1delAGGAACAGG (NM_002878.3); c.145-514_145-506del (NM_133629.3); c.533_540+1del (NM_001142571.2).
Identifiers: ClinVar variation 186269 (VCV000186269.15), dbSNP rs786202819, ClinGen allele CA194305.